The following is an entry in ClinVar:

ClinVar aggregate classification (germline): Benign/Likely benign. Review status: criteria provided, multiple submitters, no conflicts (2 of 4 stars). 7 submissions from 7 submitters: Benign (1); Likely benign (5). 1 of the submissions does not count toward it. Last evaluated 2026-01-24.

Conditions:
Mitochondrial complex I deficiency, nuclear type 16. Also called: Mitochondrial complex 1 deficiency, nuclear type 16. Identifiers: MedGen C4748785, MONDO:0032621, OMIM 618238.
Mitochondrial complex I deficiency. Also called: NADH:Q(1) OXIDOREDUCTASE DEFICIENCY. Identifiers: Orphanet 2609, MedGen C1838979, MeSH C537475, MONDO:0100133.

Allele frequency attached by ClinVar (database versions not stated): gnomAD exomes 0.00011 and 0.00020; ExAC 0.00023; ESP Exome Variant Server 0.00062; gnomAD 0.00098 and 0.00106; TOPMed 0.00124; 1000 Genomes Project 30x 0.00141; 1000 Genomes Project 0.00180.
gnomAD v4.1: 339 of 1,611,374 alleles (0.021%); highest among the groups gnomAD compares: African/African-American, 0.36%; 1 homozygote.

Submissions (7):

Labcorp Genetics (formerly Invitae), Labcorp
Classification: Benign. Last evaluated: 2026-01-24. Review status: criteria provided, single submitter. Criteria: Invitae Variant Classification Sherloc (09022015). Collection method: clinical testing. Allele origin: germline.

Mayo Clinic Laboratories, Mayo Clinic
Classification: Likely benign. Last evaluated: 2025-10-17. Review status: criteria provided, single submitter. Criteria: ACMG Guidelines, 2015. Collection method: clinical testing. Allele origin: germline. Observed: 5 variant alleles.
Comment: BS2, BP4, BP7

Blueprint Genetics
Classification: Likely benign. Last evaluated: 2024-08-09. Review status: criteria provided, single submitter. Criteria: ACMG Guidelines, 2015. Collection method: clinical testing. Allele origin: germline.

Fulgent Genetics
Classification: Likely benign for Mitochondrial complex I deficiency, nuclear type 16. Last evaluated: 2021-07-29. Review status: criteria provided, single submitter. Criteria: ACMG Guidelines, 2015. Collection method: clinical testing. Allele origin: unknown.

GeneDx
Classification: Likely benign. Last evaluated: 2018-07-26. Review status: criteria provided, single submitter. Criteria: GeneDx Variant Classification Process June 2021. Collection method: clinical testing. Allele origin: germline. Affected: yes.

Breakthrough Genomics
Classification: Likely benign. Review status: criteria provided, single submitter. Criteria: ACMG Guidelines, 2015. Collection method: not provided. Allele origin: germline. Inheritance: Autosomal recessive inheritance. Affected: yes.

Natera, Inc.
Classification: Uncertain significance for Mitochondrial complex I deficiency. Last evaluated: 2020-01-17. Review status: no assertion criteria provided. Collection method: clinical testing. Allele origin: germline. Not counted in ClinVar's aggregate classification.

NM_024120.5(NDUFAF5):c.1029A>G (p.Lys343=)

Gene: NDUFAF5 (NADH:ubiquinone oxidoreductase complex assembly factor 5; plus strand). Cytogenetic location: 20p12.1.
Variant type: single nucleotide variant.
Coding change: c.1029A>G on transcript NM_024120.5 (MANE Select); coding-DNA position 1029, A replaced by G.
Protein change: p.Lys343=; no amino-acid change (lysine 343 retained).
Molecular consequence: synonymous variant. On other transcripts: non-coding transcript variant (7).
Genome position (GRCh38, 1-based): chr20:13,817,201, A>G. VCF-style: chr20-13817201-A-G. GRCh37 (hg19) VCF-style: chr20-13797847-A-G.
Other names: p.Lys343=; c.945A>G, p.Lys315= (NM_001039375.3); c.558A>G, p.Lys186= (NM_001352403.2); c.468A>G, p.Lys156= (NM_001352406.2, NM_001352407.2).
Identifiers: ClinVar variation 733899 (VCV000733899.16), dbSNP rs146052819, ClinGen allele CA9767963.